The following is an entry in ClinVar:

NM_001035.3(RYR2):c.1264A>C (p.Thr422Pro)

Gene: RYR2 (ryanodine receptor 2; plus strand). Cytogenetic location: 1q43.
Variant type: single nucleotide variant.
Coding change: c.1264A>C on transcript NM_001035.3 (MANE Select); coding-DNA position 1264, A replaced by C.
Protein change: p.Thr422Pro; replaces threonine 422 with proline.
Molecular consequence: missense variant.
Genome position (GRCh38, 1-based): chr1:237,445,494, A>C. VCF-style: chr1-237445494-A-C. GRCh37 (hg19) VCF-style: chr1-237608794-A-C.
Other names: short protein forms T422P.
Identifiers: ClinVar variation 3633779 (VCV003633779.2).
Genomic context (GRCh38, chr1:237,445,494, plus strand): 5'-GGCATAAGTTTGTCGAGATCCCAGCATGAAGAATCACGCACAGCCCGAGTTATCCGGAGC[A>C]CAGTCTTCCTTTTCAATAGATTTATAAGGTACTTTTTCTTTTGTAGGCGTAGTTGTTTGA-3'
Protein context (NP_001026.2, residues 412-432): ESRTARVIRS[Thr422Pro]VFLFNRFIRG

ClinVar aggregate classification (germline): Uncertain significance (1 of 4 stars; one submission).

Conditions:
Catecholaminergic polymorphic ventricular tachycardia 1. Also called: VENTRICULAR TACHYCARDIA, CATECHOLAMINERGIC POLYMORPHIC, 1, WITH OR WITHOUT ATRIAL DYSFUNCTION AND/OR DILATED CARDIOMYOPATHY; RYR2-Related Catecholaminergic Polymorphic Ventricular Tachycardia; VENTRICULAR TACHYCARDIA, STRESS-INDUCED POLYMORPHIC 1. Identifiers: Orphanet 3286, MedGen C1631597, MONDO:0011484, OMIM 604772.

Submission:

Labcorp Genetics (formerly Invitae), Labcorp
Classification: Uncertain significance for Catecholaminergic polymorphic ventricular tachycardia 1. Last evaluated: 2024-09-12. Review status: criteria provided, single submitter. Criteria: Invitae Variant Classification Sherloc (09022015). Collection method: clinical testing. Allele origin: germline.
Comment: This sequence change replaces threonine, which is neutral and polar, with proline, which is neutral and non-polar, at codon 422 of the RYR2 protein (p.Thr422Pro). This variant is not present in population databases (gnomAD no frequency). This variant has not been reported in the literature in individuals affected with RYR2-related conditions. Invitae Evidence Modeling of protein sequence and biophysical properties (such as structural, functional, and spatial information, amino acid conservation, physicochemical variation, residue mobility, and thermodynamic stability) indicates that this missense variant is expected to disrupt RYR2 protein function with a positive predictive value of 95%. In summary, the available evidence is currently insufficient to determine the role of this variant in disease. Therefore, it has been classified as a Variant of Uncertain Significance.